The following is an entry in ClinVar:

NM_001267550.2(TTN):c.21841A>G (p.Thr7281Ala)

Gene: TTN (titin; minus strand). Cytogenetic location: 2q31.2.
Variant type: single nucleotide variant.
Coding change: c.21841A>G on transcript NM_001267550.2 (MANE Select); coding-DNA position 21841, A replaced by G.
Protein change: p.Thr7281Ala; replaces threonine 7281 with alanine.
Molecular consequence: missense variant. On other transcripts: intron variant (3).
Genome position (GRCh38, 1-based): chr2:178,723,166, T>C on the plus strand (A>G on the coding strand, the complement: TTN is on the minus strand). VCF-style: chr2-178723166-T-C. GRCh37 (hg19) VCF-style: chr2-179587893-T-C.
Other names: c.20890A>G, p.Thr6964Ala (NM_001256850.1); c.18109A>G, p.Thr6037Ala (NM_133378.4); c.13282+14916A>G (NM_003319.4); c.13858+14916A>G (NM_133437.4); c.13657+14916A>G (NM_133432.3); short protein forms T6037A, T6964A, T7281A.
Identifiers: ClinVar variation 3378303 (VCV003378303.1).

ClinVar aggregate classification (germline): Uncertain significance (1 of 4 stars; one submission).

gnomAD v4.1: 4 of 1,613,568 alleles (0.00025%); highest among the groups gnomAD compares: Non-Finnish European, 0.00034%; no homozygotes.

Submission:

GeneDx
Classification: Uncertain significance. Last evaluated: 2024-05-15. Review status: criteria provided, single submitter. Criteria: GeneDx Variant Classification Process June 2021. Collection method: clinical testing. Allele origin: germline. Affected: yes.
Comment: Not observed at significant frequency in large population cohorts (gnomAD); Missense variant in a gene in which most reported pathogenic variants are truncating/loss of function; Has not been previously published as pathogenic or benign to our knowledge